The following is an entry in ClinVar:

ClinVar aggregate classification (germline): Uncertain significance (1 of 4 stars; one submission).

gnomAD v4.1: 1 of 1,604,468 alleles (0.000062%); highest among the groups gnomAD compares: Admixed American, 0.0017%; no homozygotes.

Submission:

Labcorp Genetics (formerly Invitae), Labcorp
Classification: Uncertain significance. Last evaluated: 2022-11-13. Review status: criteria provided, single submitter. Criteria: Invitae Variant Classification Sherloc (09022015). Collection method: clinical testing. Allele origin: germline.
Comment: This variant is present in population databases (rs181845921, gnomAD 0.003%). This sequence change replaces proline, which is neutral and non-polar, with serine, which is neutral and polar, at codon 207 of the COL4A1 protein (p.Pro207Ser). This variant has not been reported in the literature in individuals affected with COL4A1-related conditions. Advanced modeling of protein sequence and biophysical properties (such as structural, functional, and spatial information, amino acid conservation, physicochemical variation, residue mobility, and thermodynamic stability) performed at Invitae indicates that this missense variant is not expected to disrupt COL4A1 protein function. In summary, the available evidence is currently insufficient to determine the role of this variant in disease. Therefore, it has been classified as a Variant of Uncertain Significance.

NM_001845.6(COL4A1):c.619C>T (p.Pro207Ser)

Gene: COL4A1 (collagen type IV alpha 1 chain; minus strand). Cytogenetic location: 13q34.
Variant type: single nucleotide variant.
Coding change: c.619C>T on transcript NM_001845.6 (MANE Select); coding-DNA position 619, C replaced by T.
Protein change: p.Pro207Ser; replaces proline 207 with serine.
Molecular consequence: missense variant.
Genome position (GRCh38, 1-based): chr13:110,209,424, G>A on the plus strand (C>T on the coding strand, the complement: COL4A1 is on the minus strand). VCF-style: chr13-110209424-G-A. GRCh37 (hg19) VCF-style: chr13-110861771-G-A.
Other names: c.619C>T, p.Pro207Ser (NM_001303110.2); short protein forms P207S.
Identifiers: ClinVar variation 2190141 (VCV002190141.4), dbSNP rs181845921, ClinGen allele CA7048387.